The following is an entry in ClinVar:

ClinVar aggregate classification (germline): Uncertain significance. Review status: criteria provided, multiple submitters, no conflicts (2 of 4 stars). 4 submissions from 4 submitters: Uncertain significance (4). Last evaluated 2025-08-02.

Conditions:
3-hydroxy-3-methylglutaryl-CoA synthase deficiency (HMGCS2D). Also called: MITOCHONDRIAL HMG-CoA SYNTHASE DEFICIENCY; HMG-CoA synthase-2 deficiency; HMGCS2 DEFICIENCY. Identifiers: Orphanet 35701, MedGen C2751532, MONDO:0011614, OMIM 605911.
Inborn genetic diseases. Identifiers: MedGen C0950123, MeSH D030342.

Allele frequency attached by ClinVar (database versions not stated): gnomAD 0.00001 and 0.00003; TOPMed 0.00002; 1000 Genomes Project 30x 0.00016; 1000 Genomes Project 0.00020.

Submissions (4):

Ambry Genetics
Classification: Uncertain significance for Inborn genetic diseases. Last evaluated: 2025-08-02. Review status: criteria provided, single submitter. Criteria: Ambry Variant Classification Scheme 2023. Collection method: clinical testing. Allele origin: germline.

Labcorp Genetics (formerly Invitae), Labcorp
Classification: Uncertain significance for 3-hydroxy-3-methylglutaryl-CoA synthase deficiency. Last evaluated: 2023-02-23. Review status: criteria provided, single submitter. Criteria: Invitae Variant Classification Sherloc (09022015). Collection method: clinical testing. Allele origin: germline.
Comment: This sequence change replaces proline, which is neutral and non-polar, with alanine, which is neutral and non-polar, at codon 30 of the HMGCS2 protein (p.Pro30Ala). In summary, the available evidence is currently insufficient to determine the role of this variant in disease. Therefore, it has been classified as a Variant of Uncertain Significance. An algorithm developed to predict the effect of missense changes on protein structure and function (PolyPhen-2) suggests that this variant is likely to be tolerated. ClinVar contains an entry for this variant (Variation ID: 292345). This variant has not been reported in the literature in individuals affected with HMGCS2-related conditions. This variant is present in population databases (rs202069145, gnomAD 0.0009%).

Illumina Laboratory Services, Illumina
Classification: Uncertain significance for 3-hydroxy-3-methylglutaryl-CoA synthase deficiency. Last evaluated: 2018-01-13. Review status: criteria provided, single submitter. Criteria: ICSL Variant Classification Criteria 13 December 2019. Collection method: clinical testing. Allele origin: germline.

Breakthrough Genomics
Classification: Uncertain significance. Review status: criteria provided, single submitter. Criteria: ACMG Guidelines, 2015. Collection method: not provided. Allele origin: germline. Inheritance: Autosomal recessive inheritance. Affected: yes.

NM_005518.4(HMGCS2):c.88C>G (p.Pro30Ala)

Genes: HMGCS2 (3-hydroxy-3-methylglutaryl-CoA synthase 2; minus strand), LOC122094910 (Sharpr-MPRA regulatory region 1341; plus strand). Cytogenetic location: 1p12.
Variant type: single nucleotide variant.
Coding change: c.88C>G on transcript NM_005518.4 (MANE Select); coding-DNA position 88, C replaced by G.
Protein change: p.Pro30Ala; replaces proline 30 with alanine.
Molecular consequence: missense variant.
Genome position (GRCh38, 1-based): chr1:119,768,757, G>C on the plus strand (C>G on the coding strand, the complement: HMGCS2 is on the minus strand). VCF-style: chr1-119768757-G-C. GRCh37 (hg19) VCF-style: chr1-120311380-G-C.
Other names: c.88C>G, p.Pro30Ala (NM_001166107.1); short protein forms P30A.
Identifiers: ClinVar variation 292345 (VCV000292345.12), dbSNP rs202069145, ClinGen allele CA1037984.